The following is an entry in ClinVar:

NM_025144.4(ALPK1):c.2722A>G (p.Thr908Ala)

Gene: ALPK1 (alpha kinase 1; plus strand). Cytogenetic location: 4q25.
Variant type: single nucleotide variant.
Coding change: c.2722A>G on transcript NM_025144.4 (MANE Select); coding-DNA position 2722, A replaced by G.
Protein change: p.Thr908Ala; replaces threonine 908 with alanine.
Molecular consequence: missense variant.
Genome position (GRCh38, 1-based): chr4:112,432,269, A>G. VCF-style: chr4-112432269-A-G. GRCh37 (hg19) VCF-style: chr4-113353425-A-G.
Other names: c.2722A>G, p.Thr908Ala (NM_001102406.2); c.2488A>G, p.Thr830Ala (NM_001253884.2); short protein forms T830A, T908A.
Identifiers: ClinVar variation 2113900 (VCV002113900.4), dbSNP rs1734598700, ClinGen allele CA357901668.

ClinVar aggregate classification (germline): Uncertain significance (1 of 4 stars; one submission).

Allele frequency attached by ClinVar (database versions not stated): gnomAD exomes below 0.00001.
gnomAD v4.1: 1 of 1,614,160 alleles (0.000062%); highest among the groups gnomAD compares: Non-Finnish European, 0.000085%; no homozygotes.

Submission:

Labcorp Genetics (formerly Invitae), Labcorp
Classification: Uncertain significance. Last evaluated: 2022-03-26. Review status: criteria provided, single submitter. Criteria: Invitae Variant Classification Sherloc (09022015). Collection method: clinical testing. Allele origin: germline.
Comment: In summary, the available evidence is currently insufficient to determine the role of this variant in disease. Therefore, it has been classified as a Variant of Uncertain Significance. Algorithms developed to predict the effect of missense changes on protein structure and function are either unavailable or do not agree on the potential impact of this missense change (SIFT: "Deleterious"; PolyPhen-2: "Probably Damaging"; Align-GVGD: "Class C0"). This variant has not been reported in the literature in individuals affected with ALPK1-related conditions. This variant is not present in population databases (gnomAD no frequency). This sequence change replaces threonine, which is neutral and polar, with alanine, which is neutral and non-polar, at codon 908 of the ALPK1 protein (p.Thr908Ala).